The following is an entry in ClinVar:

NM_181332.3(NLGN4X):c.1440G>A (p.Met480Ile)

Gene: NLGN4X (neuroligin 4 X-linked; minus strand). Cytogenetic location: Xp22.32.
Variant type: single nucleotide variant.
Coding change: c.1440G>A on transcript NM_181332.3 (MANE Select); coding-DNA position 1440, G replaced by A.
Protein change: p.Met480Ile; replaces methionine 480 with isoleucine.
Molecular consequence: missense variant.
Genome position (GRCh38, 1-based): chrX:5,903,238, C>T on the plus strand (G>A on the coding strand, the complement: NLGN4X is on the minus strand). VCF-style: chrX-5903238-C-T. GRCh37 (hg19) VCF-style: chrX-5821279-C-T.
Other names: c.1440G>A, p.Met480Ile (NM_001282145.2, NM_001282146.2, NM_020742.4); short protein forms M480I.
Identifiers: ClinVar variation 2628786 (VCV002628786.2), dbSNP rs748640243, ClinGen allele CA10341018.

ClinVar aggregate classification (germline): Uncertain significance (1 of 4 stars; one submission).

Conditions:
NLGN4X-related disorder. Also called: NLGN4X-related condition.

Allele frequency attached by ClinVar (database versions not stated): gnomAD exomes 0.00001.
gnomAD v4.1: 3 of 1,211,789 alleles (0.00025%); highest among the groups gnomAD compares: East Asian, 0.0089%; no homozygotes.

Submission:

PreventionGenetics, part of Exact Sciences
Classification: Uncertain significance for NLGN4X-related condition. Last evaluated: 2026-03-11. Review status: criteria provided, single submitter. Criteria: ACMG Guidelines, 2015. Collection method: clinical testing. Allele origin: germline.
Comment: The NLGN4X c.1440G>A variant is predicted to result in the amino acid substitution p.Met480Ile. To our knowledge, this variant has not been reported in the literature. This variant is reported in 0.0% of alleles in individuals of African descent in gnomAD. At this time, the clinical significance of this variant is uncertain due to the absence of conclusive functional and genetic evidence.